The following is an entry in ClinVar:

ClinVar aggregate classification (germline): Likely benign. Review status: criteria provided, multiple submitters, no conflicts (2 of 4 stars). 4 submissions from 4 submitters: Likely benign (4). Last evaluated 2025-06-12.

Conditions:
Multiple congenital anomalies-hypotonia-seizures syndrome 1 (MCAHS1). Also called: PIGN-CDG; Congenital disorder of glycosylation due to PIGN deficiency; GLYCOSYLPHOSPHATIDYLINOSITOL BIOSYNTHESIS DEFECT 3. Identifiers: Orphanet 280633, MedGen C3279775, MONDO:0013563, OMIM 614080.

Allele frequency attached by ClinVar (database versions not stated): gnomAD exomes 0.00003 and 0.00005; ExAC 0.00004; gnomAD 0.00004 and 0.00006; TOPMed 0.00004.
gnomAD v4.1: 59 of 1,613,450 alleles (0.0037%); highest among the groups gnomAD compares: Middle Eastern, 0.049%; 1 homozygote.

Submissions (4):

Labcorp Genetics (formerly Invitae), Labcorp
Classification: Likely benign for Multiple congenital anomalies-hypotonia-seizures syndrome 1. Last evaluated: 2025-06-12. Review status: criteria provided, single submitter. Criteria: Invitae Variant Classification Sherloc (09022015). Collection method: clinical testing. Allele origin: germline.

CeGaT Center for Human Genetics Tuebingen
Classification: Likely benign. Last evaluated: 2024-05-01. Review status: criteria provided, single submitter. Criteria: CeGaT Center For Human Genetics Tuebingen Variant Classification Criteria Version 2. Collection method: clinical testing. Allele origin: germline. Affected: yes. Observed: 1 variant allele.
Comment: PIGN: BP4, BP7

Blueprint Genetics
Classification: Likely benign. Last evaluated: 2024-04-18. Review status: criteria provided, single submitter. Criteria: ACMG Guidelines, 2015. Collection method: clinical testing. Allele origin: germline.

GeneDx
Classification: Likely benign. Last evaluated: 2020-03-13. Review status: criteria provided, single submitter. Criteria: GeneDx Variant Classification Process June 2021. Collection method: clinical testing. Allele origin: germline. Affected: yes.

NM_176787.5(PIGN):c.2724C>T (p.Leu908=)

Gene: PIGN (phosphatidylinositol glycan anchor biosynthesis class N; minus strand). Cytogenetic location: 18q21.33.
Variant type: single nucleotide variant.
Coding change: c.2724C>T on transcript NM_176787.5 (MANE Select); coding-DNA position 2724, C replaced by T.
Protein change: p.Leu908=; no amino-acid change (leucine 908 retained).
Molecular consequence: synonymous variant.
Genome position (GRCh38, 1-based): chr18:62,045,928, G>A on the plus strand (C>T on the coding strand, the complement: PIGN is on the minus strand). VCF-style: chr18-62045928-G-A. GRCh37 (hg19) VCF-style: chr18-59713161-G-A.
Other names: c.2724C>T, p.Leu908= (NM_012327.6).
Identifiers: ClinVar variation 737665 (VCV000737665.33), dbSNP rs756612484, ClinGen allele CA8981881.
Genomic context (GRCh38, chr18:62,045,928, plus strand): 5'-ACTTTTGGGTTTGCCACATAGTCTGAGTTTCTTCGTTGTGAGCAGCTGGGCCAGGCCATT[G>A]AGGAACACCAAAAAGATGGTCATGGACATGACAATCACATAGTGGCTGATGCTGCAAAAG-3'
Protein context (NP_789744.1, residues 898-918): VMSMTIFLVF[Leu908=]NGLAQLLTTK